The following is an entry in ClinVar:

NM_001128840.3(CACNA1D):c.3115-3C>T

Gene: CACNA1D (calcium voltage-gated channel subunit alpha1 D; plus strand). Cytogenetic location: 3p21.1.
Variant type: single nucleotide variant.
Coding change: c.3115-3C>T on transcript NM_001128840.3 (MANE Select); 3 bases into the intron before coding-DNA position 3115, C replaced by T.
Molecular consequence: intron variant.
Genome position (GRCh38, 1-based): chr3:53,745,820, C>T. VCF-style: chr3-53745820-C-T. GRCh37 (hg19) VCF-style: chr3-53779847-C-T.
Other names: c.3115-3C>T (NM_001128839.3); c.3175-3C>T (NM_000720.4).
Identifiers: ClinVar variation 517400 (VCV000517400.17), dbSNP rs779910083, ClinGen allele CA2454456.

ClinVar aggregate classification (germline): Conflicting classifications of pathogenicity. Review status: criteria provided, conflicting classifications (1 of 4 stars). 5 submissions from 5 submitters: Uncertain significance (4); Likely benign (1). Last evaluated 2026-06-05.

Allele frequency attached by ClinVar (database versions not stated): TOPMed 0.00009; ExAC 0.00005; gnomAD exomes 0.00001 and 0.00004; gnomAD 0.00010 and 0.00008.
gnomAD v4.1: 27 of 1,613,298 alleles (0.0017%); highest among the groups gnomAD compares: African/African-American, 0.027%; no homozygotes.

Submissions (5):

Women's Health and Genetics/Laboratory Corporation of America, LabCorp
Classification: Uncertain significance. Last evaluated: 2026-06-05. Review status: criteria provided, single submitter. Criteria: LabCorp Variant Classification Summary - May 2015. Collection method: clinical testing. Allele origin: germline.
Comment: Variant summary: CACNA1D c.3175-3C>T alters a conserved nucleotide located close to a canonical splice site and therefore could affect mRNA splicing, leading to a significantly altered protein sequence. Consensus agreement among computation tools predict no significant impact on normal splicing. However, these predictions have yet to be confirmed by functional studies. The variant allele was found at a frequency of 3.6e-05 in 251426 control chromosomes. The available data on variant occurrences in the general population are insufficient to allow any conclusion about variant significance. To our knowledge, no occurrence of c.3175-3C>T in individuals affected with CACNA1D-related conditions and no experimental evidence demonstrating its impact on protein function have been reported. ClinVar contains an entry for this variant (Variation ID: 517400). Based on the evidence outlined above, the variant was classified as uncertain significance.

Labcorp Genetics (formerly Invitae), Labcorp
Classification: Uncertain significance. Last evaluated: 2025-11-25. Review status: criteria provided, single submitter. Criteria: Invitae Variant Classification Sherloc (09022015). Collection method: clinical testing. Allele origin: germline.
Comment: This sequence change falls in intron 25 of the CACNA1D gene. It does not directly change the encoded amino acid sequence of the CACNA1D protein. It affects a nucleotide within the consensus splice site. This variant is present in population databases (rs779910083, gnomAD 0.04%). This variant has not been reported in the literature in individuals affected with CACNA1D-related conditions. ClinVar contains an entry for this variant (Variation ID: 517400). Variants that disrupt the consensus splice site are a relatively common cause of aberrant splicing (PMID: 17576681, 9536098). Algorithms developed to predict the effect of sequence changes on RNA splicing suggest that this variant is not likely to affect RNA splicing. In summary, the available evidence is currently insufficient to determine the role of this variant in disease. Therefore, it has been classified as a Variant of Uncertain Significance.

GeneDx
Classification: Likely benign. Last evaluated: 2021-04-07. Review status: criteria provided, single submitter. Criteria: GeneDx Variant Classification Process June 2021. Collection method: clinical testing. Allele origin: germline. Affected: yes.

Eurofins Ntd Llc (ga)
Classification: Uncertain significance. Last evaluated: 2017-07-25. Review status: criteria provided, single submitter. Criteria: EGL Classification Definitions 2015. Collection method: clinical testing. Allele origin: germline. Observed: 1 variant allele, 1 heterozygote.

Laboratory for Molecular Medicine, Mass General Brigham Personalized Medicine
Classification: Uncertain significance. Last evaluated: 2017-05-18. Review status: criteria provided, single submitter. Criteria: LMM Criteria. Collection method: clinical testing. Allele origin: germline. Observed: 1 variant allele.
Comment: The c.3175-3C>T variant in CACNA1D has not been previously reported in individua ls with hearing loss but has been identified in 9/24028 African chromosomes by t he Genome Aggregation Database (gnomAD; dbSNP rs779910083). Although this variant has been seen in the general population, its frequency is not high enough to rule out a pathogenic role. This variant is loc ated in the 3' splice region. Computational tools do not suggest an impact to sp licing. However, this information is not predictive enough to rule out pathogeni city. In summary, the clinical significance of the c.3175-3C>T variant is uncert ain.

Literature cited by the submitters: PubMed 17576681 (cited by Labcorp Genetics (formerly Invitae), Labcorp); PubMed 9536098 (cited by Labcorp Genetics (formerly Invitae), Labcorp).